The following is an entry in ClinVar:

ClinVar aggregate classification (germline): Likely pathogenic (1 of 4 stars; one submission).

Conditions:
Facioscapulohumeral muscular dystrophy 2 (FSHD2). Also called: MUSCULAR DYSTROPHY, FACIOSCAPULOHUMERAL, TYPE 1B; FACIOSCAPULOHUMERAL MUSCULAR DYSTROPHY 2, DIGENIC; FSHD2, DIGENIC. Identifiers: Orphanet 269, MedGen C1834671, MONDO:0008031, OMIM 158901.

Submission:

Laboratory of Functional Genomics, Research Centre for Medical Genetics
Classification: Likely pathogenic for Facioscapulohumeral muscular dystrophy 2. Last evaluated: 2024-08-16. Review status: criteria provided, single submitter. Criteria: ACMG Guidelines, 2015. Collection method: clinical testing. Allele origin: inherited, germline. Inheritance: Autosomal dominant inheritance. Affected: yes. Observed: 2 variant alleles, 2 heterozygotes.
Comment: This missense variant was identified in a family with a clinical phenotype consistent with facioscapulohumeral muscular dystrophy (FSHD). The observed methylation levels were within the range characteristic of patients with FSHD2 and were consistent with impaired SMCHD1 protein function. Taken together, the clinical phenotype, segregation of the variant with disease, presence of a permissive 4qA allele with a reduced D4Z4 repeat number, and the characteristic hypomethylation pattern support a functional deficiency of the SMCHD1 protein. Based on these findings, the variant was classified as likely pathogenic.

NM_015295.3(SMCHD1):c.5663G>A (p.Gly1888Glu)

Gene: SMCHD1 (structural maintenance of chromosomes flexible hinge domain containing 1; plus strand). Cytogenetic location: 18p11.32.
Variant type: single nucleotide variant.
Coding change: c.5663G>A on transcript NM_015295.3 (MANE Select); coding-DNA position 5663, G replaced by A.
Protein change: p.Gly1888Glu; replaces glycine 1888 with glutamic acid.
Molecular consequence: missense variant.
Genome position (GRCh38, 1-based): chr18:2,784,565, G>A. VCF-style: chr18-2784565-G-A. GRCh37 (hg19) VCF-style: chr18-2784563-G-A.
Other names: short protein forms G1888E.
Identifiers: ClinVar variation 4886990 (VCV004886990.1).